The following is an entry in ClinVar:

NM_000217.3(KCNA1):c.988A>T (p.Ile330Phe)

Gene: KCNA1 (potassium voltage-gated channel subfamily A member 1; plus strand). Cytogenetic location: 12p13.32.
Variant type: single nucleotide variant.
Coding change: c.988A>T on transcript NM_000217.3 (MANE Select); coding-DNA position 988, A replaced by T.
Protein change: p.Ile330Phe; replaces isoleucine 330 with phenylalanine.
Molecular consequence: missense variant.
Genome position (GRCh38, 1-based): chr12:4,912,366, A>T. VCF-style: chr12-4912366-A-T. GRCh37 (hg19) VCF-style: chr12-5021532-A-T.
Other names: short protein forms I330F.
Identifiers: ClinVar variation 2500475 (VCV002500475.1), dbSNP rs1947357657, ClinGen allele CA383455782.

ClinVar aggregate classification (germline): Uncertain significance (1 of 4 stars; one submission).

Submission:

GeneDx
Classification: Uncertain significance. Last evaluated: 2022-10-31. Review status: criteria provided, single submitter. Criteria: GeneDx Variant Classification Process June 2021. Collection method: clinical testing. Allele origin: germline. Affected: yes.
Comment: Not observed at significant frequency in large population cohorts (gnomAD); In silico analysis supports that this missense variant has a deleterious effect on protein structure/function; Has not been previously published as pathogenic or benign to our knowledge